The following is an entry in ClinVar:

ClinVar aggregate classification (germline): Pathogenic/Likely pathogenic. Review status: criteria provided, multiple submitters, no conflicts (2 of 4 stars). 4 submissions from 4 submitters: Pathogenic (1); Likely pathogenic (2). 1 of the submissions does not count toward it. Last evaluated 2026-07-03.

Conditions:
Choanal atresia-athelia-hypothyroidism-delayed puberty-short stature syndrome (BCAHH). Also called: BRANCHIAL ARCH ABNORMALITIES, CHOANAL ATRESIA, ATHELIA, HEARING LOSS, AND HYPOTHYROIDISM SYNDROME. Identifiers: Orphanet 589856, MedGen C5680310, MONDO:0035651, OMIM 620186.

Submissions (4):

Department of Human Genetics, Hannover Medical School
Classification: Likely pathogenic for Choanal atresia-athelia-hypothyroidism-delayed puberty-short stature syndrome. Last evaluated: 2026-07-03. Review status: criteria provided, single submitter. Criteria: ACMG Guidelines, 2015. Collection method: clinical testing. Allele origin: germline. Affected: yes.
Comment: PS2, PM1_Supporting, PM2_Supporting, PP2

3billion
Classification: Pathogenic for Choanal atresia-athelia-hypothyroidism-delayed puberty-short stature syndrome. Last evaluated: 2024-08-06. Review status: criteria provided, single submitter. Criteria: ACMG Guidelines, 2015. Collection method: clinical testing. Allele origin: germline. Affected: yes.
Comment: The variant is not observed in the gnomAD v4.0.0 dataset. Predicted Consequence/Location: The variant is located in a mutational hot spot and/or well-established functional domain in which established pathogenic variants have been reported (PMID: 31949313). In silico tool predictions suggest damaging effect of the variant on gene or gene product [3Cnet: 0.64 (>=0.6, sensitivity 0.72 and precision 0.9)]. The same nucleotide change resulting in the same amino acid change has been previously reported as pathogenic/likely pathogenic with strong evidence (ClinVar ID: VCV002443724 /PMID: 32083401). The variant has been previously reported as de novo in a similarly affected individual (PMID: 32083401). Therefore, this variant is classified as Pathogenic according to the recommendation of ACMG/AMP guideline.

Duke University Health System Sequencing Clinic, Duke University Health System
Classification: Likely pathogenic for Choanal atresia-athelia-hypothyroidism-delayed puberty-short stature syndrome. Last evaluated: 2023-04-20. Review status: criteria provided, single submitter. Criteria: ACMG Guidelines, 2015. Collection method: research. Allele origin: de novo. Affected: yes.

OMIM
Classification: Pathogenic for BRANCHIAL ARCH ABNORMALITIES, CHOANAL ATRESIA, ATHELIA, HEARING LOSS, AND HYPOTHYROIDISM SYNDROME. Last evaluated: 2023-01-04. Review status: no assertion criteria provided. Collection method: literature only. Allele origin: germline. Not counted in ClinVar's aggregate classification.

Literature cited by the submitters: PubMed 31949313 (cited by 3billion); PubMed 32083401 (cited by 3 submitters); PubMed 25590979 (cited by Duke University Health System Sequencing Clinic, Duke University Health System).

NM_003482.4(KMT2D):c.10621G>C (p.Ala3541Pro)

Gene: KMT2D (lysine methyltransferase 2D; minus strand). Cytogenetic location: 12q13.12.
Variant type: single nucleotide variant.
Coding change: c.10621G>C on transcript NM_003482.4 (MANE Select); coding-DNA position 10621, G replaced by C.
Protein change: p.Ala3541Pro; replaces alanine 3541 with proline.
Molecular consequence: missense variant.
Genome position (GRCh38, 1-based): chr12:49,034,186, C>G on the plus strand (G>C on the coding strand, the complement: KMT2D is on the minus strand). VCF-style: chr12-49034186-C-G. GRCh37 (hg19) VCF-style: chr12-49427969-C-G.
Other names: short protein forms A3541P.
Identifiers: ClinVar variation 2443724 (VCV002443724.5), dbSNP rs2120453584, ClinGen allele CA384727908.